The following is an entry in ClinVar:

NM_017780.4(CHD7):c.7015A>T (p.Met2339Leu)

Gene: CHD7 (chromodomain helicase DNA binding protein 7; plus strand). Cytogenetic location: 8q12.2.
Variant type: single nucleotide variant.
Coding change: c.7015A>T on transcript NM_017780.4 (MANE Select); coding-DNA position 7015, A replaced by T.
Protein change: p.Met2339Leu; replaces methionine 2339 with leucine.
Molecular consequence: missense variant. On other transcripts: intron variant (1).
Genome position (GRCh38, 1-based): chr8:60,856,053, A>T. VCF-style: chr8-60856053-A-T. GRCh37 (hg19) VCF-style: chr8-61768612-A-T.
Other names: c.1717-6176A>T (NM_001316690.1); short protein forms M2339L.
Identifiers: ClinVar variation 1509875 (VCV001509875.8), dbSNP rs1184188163, ClinGen allele CA371298430.

ClinVar aggregate classification (germline): Uncertain significance (1 of 4 stars; one submission).

Conditions:
CHARGE syndrome (CHARGE). Also called: Coloboma, heart anomaly, choanal atresia, retardation, genital and ear anomalies; CHARGE association; Hall-Hittner syndrome; Hittner Hirsch Kreh syndrome; CHARGE ASSOCIATION--COLOBOMA, HEART ANOMALY, CHOANAL ATRESIA, RETARDATION, GENITAL AND EAR ANOMALIES. Identifiers: Orphanet 138, MedGen C0265354, MONDO:0008965.

gnomAD v4.1: 1 of 1,611,740 alleles (0.000062%); highest among the groups gnomAD compares: Admixed American, 0.0017%; no homozygotes.

Submission:

Labcorp Genetics (formerly Invitae), Labcorp
Classification: Uncertain significance for CHARGE syndrome. Last evaluated: 2021-02-14. Review status: criteria provided, single submitter. Criteria: Invitae Variant Classification Sherloc (09022015). Collection method: clinical testing. Allele origin: germline.
Comment: This sequence change replaces methionine with leucine at codon 2339 of the CHD7 protein (p.Met2339Leu). The methionine residue is highly conserved and there is a small physicochemical difference between methionine and leucine. This variant is not present in population databases (ExAC no frequency). This variant has not been reported in the literature in individuals with CHD7-related conditions. Advanced modeling of protein sequence and biophysical properties (such as structural, functional, and spatial information, amino acid conservation, physicochemical variation, residue mobility, and thermodynamic stability) performed at Invitae indicates that this missense variant is not expected to disrupt CHD7 protein function. In summary, the available evidence is currently insufficient to determine the role of this variant in disease. Therefore, it has been classified as a Variant of Uncertain Significance.